The following is an entry in ClinVar:

ClinVar aggregate classification (germline): Uncertain significance (1 of 4 stars; one submission).

Conditions:
Dilated cardiomyopathy 1JJ (CMD1JJ). Identifiers: Orphanet 154, MedGen C3808935, MONDO:0014095, OMIM 615235.

gnomAD v4.1: 2 of 1,614,080 alleles (0.00012%); highest among the groups gnomAD compares: Admixed American, 0.0017%; no homozygotes.

Submission:

Labcorp Genetics (formerly Invitae), Labcorp
Classification: Uncertain significance for Dilated cardiomyopathy 1JJ. Last evaluated: 2025-12-21. Review status: criteria provided, single submitter. Criteria: Invitae Variant Classification Sherloc (09022015). Collection method: clinical testing. Allele origin: germline.
Comment: This sequence change replaces valine, which is neutral and non-polar, with alanine, which is neutral and non-polar, at codon 771 of the LAMA4 protein (p.Val771Ala). This variant is present in population databases (rs782418775, gnomAD 0.003%). This variant has not been reported in the literature in individuals affected with LAMA4-related conditions. Invitae Evidence Modeling of protein sequence and biophysical properties (such as structural, functional, and spatial information, amino acid conservation, physicochemical variation, residue mobility, and thermodynamic stability) indicates that this missense variant is expected to disrupt LAMA4 protein function with a positive predictive value of 80%. In summary, the available evidence is currently insufficient to determine the role of this variant in disease. Therefore, it has been classified as a Variant of Uncertain Significance.

NM_001105206.3(LAMA4):c.2333T>C (p.Val778Ala)

Gene: LAMA4 (laminin subunit alpha 4; minus strand). Cytogenetic location: 6q21.
Variant type: single nucleotide variant.
Coding change: c.2333T>C on transcript NM_001105206.3 (MANE Select); coding-DNA position 2333, T replaced by C.
Protein change: p.Val778Ala; replaces valine 778 with alanine.
Molecular consequence: missense variant.
Genome position (GRCh38, 1-based): chr6:112,148,177, A>G on the plus strand (T>C on the coding strand, the complement: LAMA4 is on the minus strand). VCF-style: chr6-112148177-A-G. GRCh37 (hg19) VCF-style: chr6-112469379-A-G.
Other names: c.2312T>C, p.Val771Ala (NM_001105207.3, NM_002290.5); short protein forms V771A, V778A.
Identifiers: ClinVar variation 4803952 (VCV004803952.1).